The following is an entry in ClinVar:

ClinVar aggregate classification (germline): Uncertain significance (1 of 4 stars; one submission).

Conditions:
Majeed syndrome (MJDS). Also called: CHRONIC RECURRENT MULTIFOCAL OSTEOMYELITIS 1, WITH CONGENITAL DYSERYTHROPOIETIC ANEMIA, WITH OR WITHOUT NEUTROPHILIC DERMATOSIS; LPIN2-Related Majeed Syndrome. Identifiers: Orphanet 77297, MedGen C1864997, MONDO:0012316, OMIM 609628.

Submission:

Labcorp Genetics (formerly Invitae), Labcorp
Classification: Uncertain significance for Majeed syndrome. Last evaluated: 2020-07-30. Review status: criteria provided, single submitter. Criteria: Invitae Variant Classification Sherloc (09022015). Collection method: clinical testing. Allele origin: germline.
Comment: Algorithms developed to predict the effect of missense changes on protein structure and function (SIFT, PolyPhen-2, Align-GVGD) all suggest that this variant is likely to be disruptive, but these predictions have not been confirmed by published functional studies and their clinical significance is uncertain. In summary, the available evidence is currently insufficient to determine the role of this variant in disease. Therefore, it has been classified as a Variant of Uncertain Significance. This variant has not been reported in the literature in individuals with LPIN2-related conditions. This variant is not present in population databases (ExAC no frequency). This sequence change replaces phenylalanine with serine at codon 730 of the LPIN2 protein (p.Phe730Ser). The phenylalanine residue is moderately conserved and there is a large physicochemical difference between phenylalanine and serine.

NM_001375808.2(LPIN2):c.2189T>C (p.Phe730Ser)

Gene: LPIN2 (lipin 2; minus strand). Cytogenetic location: 18p11.31.
Variant type: single nucleotide variant.
Coding change: c.2189T>C on transcript NM_001375808.2 (MANE Select); coding-DNA position 2189, T replaced by C.
Protein change: p.Phe730Ser; replaces phenylalanine 730 with serine.
Molecular consequence: missense variant.
Genome position (GRCh38, 1-based): chr18:2,922,185, A>G on the plus strand (T>C on the coding strand, the complement: LPIN2 is on the minus strand). VCF-style: chr18-2922185-A-G. GRCh37 (hg19) VCF-style: chr18-2922183-A-G.
Other names: c.2189T>C, p.Phe730Ser (NM_001375809.1, NM_014646.2); short protein forms F730S.
Identifiers: ClinVar variation 1043324 (VCV001043324.9), dbSNP rs2077065305, ClinGen allele CA401697756.